The following is an entry in ClinVar:

ClinVar aggregate classification (germline): Uncertain significance (1 of 4 stars; one submission).

Conditions:
Severe early-onset pulmonary alveolar proteinosis due to MARS deficiency. Also called: PULMONARY ALVEOLAR PROTEINOSIS, REUNION ISLAND; Interstitial lung and liver disease. Identifiers: Orphanet 440427, MedGen C4225400, MONDO:0014206, OMIM 615486.
Charcot-Marie-Tooth disease axonal type 2U. Also called: CHARCOT-MARIE-TOOTH NEUROPATHY, TYPE 2U; CHARCOT-MARIE-TOOTH DISEASE, AXONAL, AUTOSOMAL DOMINANT, TYPE 2U. Identifiers: Orphanet 397735, MedGen C4084821, MONDO:0014566, OMIM 616280.

gnomAD v4.1: 1 of 1,611,476 alleles (0.000062%); highest among the groups gnomAD compares: Non-Finnish European, 0.000085%; no homozygotes.

Submission:

Labcorp Genetics (formerly Invitae), Labcorp
Classification: Uncertain significance for Charcot-Marie-Tooth disease axonal type 2U; Severe early-onset pulmonary alveolar proteinosis due to MARS deficiency. Last evaluated: 2025-12-21. Review status: criteria provided, single submitter. Criteria: Invitae Variant Classification Sherloc (09022015). Collection method: clinical testing. Allele origin: germline.
Comment: This sequence change replaces isoleucine, which is neutral and non-polar, with threonine, which is neutral and polar, at codon 582 of the MARS protein (p.Ile582Thr). This variant is not present in population databases (gnomAD no frequency). This variant has not been reported in the literature in individuals affected with MARS-related conditions. An algorithm developed to predict the effect of missense changes on protein structure and function (PolyPhen-2) suggests that this variant is likely to be tolerated. In summary, the available evidence is currently insufficient to determine the role of this variant in disease. Therefore, it has been classified as a Variant of Uncertain Significance.

NM_004990.4(MARS1):c.1745T>C (p.Ile582Thr)

Gene: MARS1 (methionyl-tRNA synthetase 1; plus strand). Cytogenetic location: 12q13.3.
Variant type: single nucleotide variant.
Coding change: c.1745T>C on transcript NM_004990.4 (MANE Select); coding-DNA position 1745, T replaced by C.
Protein change: p.Ile582Thr; replaces isoleucine 582 with threonine.
Molecular consequence: missense variant.
Genome position (GRCh38, 1-based): chr12:57,512,345, T>C. VCF-style: chr12-57512345-T-C. GRCh37 (hg19) VCF-style: chr12-57906128-T-C.
Other names: short protein forms I582T.
Identifiers: ClinVar variation 4793369 (VCV004793369.1).
Genomic context (GRCh38, chr12:57,512,345, plus strand): 5'-TAGTCTTTCCTTGCTCAGCCCTAGGAGCTGAGGATAACTATACCTTGGTCAGCCACCTCA[T>C]TGCTACAGGTAAGTACCCTGGAAGACTACTGATGGGGTGTTCATAGGAAATGAGGGGTGA-3'
Protein context (NP_004981.2, residues 572-592): EDNYTLVSHL[Ile582Thr]ATEYLNYEDG